The following is an entry in ClinVar:

ClinVar aggregate classification (germline): Uncertain significance. Review status: criteria provided, multiple submitters, no conflicts (2 of 4 stars). 3 submissions from 3 submitters: Uncertain significance (3). Last evaluated 2024-04-15.

Conditions:
Hereditary cancer-predisposing syndrome. Also called: Neoplastic Syndromes, Hereditary; Hereditary neoplastic syndrome; Tumor predisposition; Hereditary Cancer Syndrome. Identifiers: Orphanet 140162, MedGen C0027672, MeSH D009386, MONDO:0015356.
Carney complex, type 1 (CNC1). Also called: CARNEY MYXOMA-ENDOCRINE COMPLEX; CARNEY COMPLEX, TYPE I. Identifiers: Orphanet 1359, MedGen C2607929, MONDO:0008057, OMIM 160980.

Allele frequency attached by ClinVar (database versions not stated): gnomAD exomes below 0.00001.
gnomAD v4.1: 1 of 1,613,548 alleles (0.000062%); highest among the groups gnomAD compares: East Asian, 0.0022%; no homozygotes.

Submissions (3):

Labcorp Genetics (formerly Invitae), Labcorp
Classification: Uncertain significance for Carney complex, type 1. Last evaluated: 2024-04-15. Review status: criteria provided, single submitter. Criteria: Invitae Variant Classification Sherloc (09022015). Collection method: clinical testing. Allele origin: germline.
Comment: This sequence change replaces arginine, which is basic and polar, with histidine, which is basic and polar, at codon 13 of the PRKAR1A protein (p.Arg13His). This variant is not present in population databases (gnomAD no frequency). This variant has not been reported in the literature in individuals affected with PRKAR1A-related conditions. ClinVar contains an entry for this variant (Variation ID: 1394679). An algorithm developed to predict the effect of missense changes on protein structure and function (PolyPhen-2) suggests that this variant is likely to be tolerated. In summary, the available evidence is currently insufficient to determine the role of this variant in disease. Therefore, it has been classified as a Variant of Uncertain Significance.

GeneDx
Classification: Uncertain significance. Last evaluated: 2024-01-08. Review status: criteria provided, single submitter. Criteria: GeneDx Variant Classification Process June 2021. Collection method: clinical testing. Allele origin: germline. Affected: yes.
Comment: Not observed at significant frequency in large population cohorts (gnomAD); In silico analysis supports that this missense variant does not alter protein structure/function; Has not been previously published as pathogenic or benign to our knowledge

Ambry Genetics
Classification: Uncertain significance for Hereditary cancer-predisposing syndrome. Last evaluated: 2023-12-22. Review status: criteria provided, single submitter. Criteria: Ambry Variant Classification Scheme 2023. Collection method: clinical testing. Allele origin: germline.
Comment: The p.R13H variant (also known as c.38G>A), located in coding exon 1 of the PRKAR1A gene, results from a G to A substitution at nucleotide position 38. The arginine at codon 13 is replaced by histidine, an amino acid with highly similar properties. This amino acid position is conserved. In addition, this alteration is predicted to be deleterious by in silico analysis. Since supporting evidence is limited at this time, the clinical significance of this alteration remains unclear.

NM_002734.5(PRKAR1A):c.38G>A (p.Arg13His)

Gene: PRKAR1A (protein kinase cAMP-dependent type I regulatory subunit alpha; plus strand). Cytogenetic location: 17q24.2.
Variant type: single nucleotide variant.
Coding change: c.38G>A on transcript NM_002734.5 (MANE Select); coding-DNA position 38, G replaced by A.
Protein change: p.Arg13His; replaces arginine 13 with histidine.
Molecular consequence: missense variant.
Genome position (GRCh38, 1-based): chr17:68,515,437, G>A. VCF-style: chr17-68515437-G-A. GRCh37 (hg19) VCF-style: chr17-66511578-G-A.
Other names: c.38G>A (NM_002734.3); c.38G>A, p.Arg13His (NM_001276289.2, NM_001276290.1, NM_001278433.2 and 4 more transcripts); short protein forms R13H.
Identifiers: ClinVar variation 1394679 (VCV001394679.10), dbSNP rs2143149544, ClinGen allele CA400751835.
Genomic context (GRCh38, chr17:68,515,437, plus strand): 5'-GTGTTTTTTTCTCGCAGAGAACCATGGAGTCTGGCAGTACCGCCGCCAGTGAGGAGGCAC[G>A]CAGCCTTCGAGAATGTGAGCTCTACGTCCAGAAGCATAACATTCAAGCGCTGCTCAAAGA-3'
Protein context (NP_002725.1, residues 3-23): SGSTAASEEA[Arg13His]SLRECELYVQ